The following is an entry in ClinVar:

ClinVar aggregate classification (germline): Pathogenic. Review status: criteria provided, multiple submitters, no conflicts (2 of 4 stars). 2 submissions from 2 submitters: Pathogenic (2). Last evaluated 2024-08-16.

Conditions:
Hereditary cancer-predisposing syndrome. Also called: Hereditary neoplastic syndrome; Neoplastic Syndromes, Hereditary; Hereditary Cancer Syndrome; Tumor predisposition. Identifiers: Orphanet 140162, MedGen C0027672, MeSH D009386, MONDO:0015356.
Hereditary breast ovarian cancer syndrome. Also called: BRCA1- and BRCA2-Associated Hereditary Breast and Ovarian Cancer; Hereditary breast and ovarian cancer syndrome; Hereditary breast and ovarian cancer syndrome (HBOC); Hereditary breast and/or ovarian cancer syndrome; Breast and ovarian cancer; Hereditary breast and ovarian cancer. Identifiers: Orphanet 145, MedGen C0677776, MeSH D061325, MONDO:0003582. Disease mechanism: loss of function.

Allele frequency attached by ClinVar (database versions not stated): TOPMed below 0.00001.

Submissions (2):

Ambry Genetics
Classification: Pathogenic for Hereditary cancer-predisposing syndrome. Last evaluated: 2024-08-16. Review status: criteria provided, single submitter. Criteria: Ambry Variant Classification Scheme 2023. Collection method: clinical testing. Allele origin: germline.
Comment: The p.E462* pathogenic mutation (also known as c.1384G>T), located in coding exon 9 of the BRCA2 gene, results from a G to T substitution at nucleotide position 1384. This changes the amino acid from a glutamic acid to a stop codon within coding exon 9. This variant is considered to be rare based on population cohorts in the Genome Aggregation Database (gnomAD). In addition to the clinical data presented in the literature, this alteration is expected to result in loss of function by premature protein truncation or nonsense-mediated mRNA decay. As such, this alteration is interpreted as a disease-causing mutation.

Labcorp Genetics (formerly Invitae), Labcorp
Classification: Pathogenic for Hereditary breast ovarian cancer syndrome. Last evaluated: 2024-08-07. Review status: criteria provided, single submitter. Criteria: Invitae Variant Classification Sherloc (09022015). Collection method: clinical testing. Allele origin: germline.
Comment: This sequence change creates a premature translational stop signal (p.Glu462*) in the BRCA2 gene. It is expected to result in an absent or disrupted protein product. Loss-of-function variants in BRCA2 are known to be pathogenic (PMID: 20104584). This variant is not present in population databases (gnomAD no frequency). This premature translational stop signal has been observed in individual(s) with breast cancer (PMID: 28503720). ClinVar contains an entry for this variant (Variation ID: 658411). For these reasons, this variant has been classified as Pathogenic.

Literature cited by the submitters: PubMed 28503720 (cited by Ambry Genetics and Labcorp Genetics (formerly Invitae), Labcorp); PubMed 20104584 (cited by Labcorp Genetics (formerly Invitae), Labcorp).

NM_000059.4(BRCA2):c.1384G>T (p.Glu462Ter)

Gene: BRCA2 (BRCA2 DNA repair associated; plus strand). Cytogenetic location: 13q13.1.
Variant type: single nucleotide variant.
Coding change: c.1384G>T on transcript NM_000059.4 (MANE Select); coding-DNA position 1384, G replaced by T.
Protein change: p.Glu462Ter; replaces glutamic acid 462 with a stop codon.
Molecular consequence: nonsense.
Genome position (GRCh38, 1-based): chr13:32,332,862, G>T. VCF-style: chr13-32332862-G-T. GRCh37 (hg19) VCF-style: chr13-32906999-G-T.
Other names: short protein forms E462*.
Identifiers: ClinVar variation 658411 (VCV000658411.12), dbSNP rs1593892698, ClinGen allele CA387763030.